The following is an entry in ClinVar:

ClinVar aggregate classification (germline): Uncertain significance. Review status: criteria provided, multiple submitters, no conflicts (2 of 4 stars). 4 submissions from 4 submitters: Uncertain significance (4). Last evaluated 2025-10-02.

Conditions:
Hypokalemic periodic paralysis, type 1. Also called: HypoPP; Hypokalemic Periodic Paralysis Type 1 (AD). Identifiers: Orphanet 681, MedGen C3714580, MONDO:0042979, OMIM 170400.
Malignant hyperthermia, susceptibility to, 5 (MHS5). Also called: CACNA1S-Related Malignant Hyperthermia Susceptibility. Identifiers: Orphanet 423, MedGen C1866077, MONDO:0011163, OMIM 601887.

gnomAD v4.1: 11 of 1,614,210 alleles (0.00068%); highest among the groups gnomAD compares: African/African-American, 0.0027%; no homozygotes.

Submissions (4):

Labcorp Genetics (formerly Invitae), Labcorp
Classification: Uncertain significance for Hypokalemic periodic paralysis, type 1; Malignant hyperthermia, susceptibility to, 5. Last evaluated: 2025-10-02. Review status: criteria provided, single submitter. Criteria: Invitae Variant Classification Sherloc (09022015). Collection method: clinical testing. Allele origin: germline.
Comment: This sequence change replaces arginine, which is basic and polar, with cysteine, which is neutral and slightly polar, at codon 119 of the CACNA1S protein (p.Arg119Cys). This variant is present in population databases (no rsID available, gnomAD 0.02%). This variant has not been reported in the literature in individuals affected with CACNA1S-related conditions. ClinVar contains an entry for this variant (Variation ID: 2139860). Invitae Evidence Modeling of protein sequence and biophysical properties (such as structural, functional, and spatial information, amino acid conservation, physicochemical variation, residue mobility, and thermodynamic stability) has been performed for this missense variant. However, the output from this modeling did not meet the statistical confidence thresholds required to predict the impact of this variant on CACNA1S protein function. In summary, the available evidence is currently insufficient to determine the role of this variant in disease. Therefore, it has been classified as a Variant of Uncertain Significance.

GeneDx
Classification: Uncertain significance. Last evaluated: 2024-05-09. Review status: criteria provided, single submitter. Criteria: GeneDx Variant Classification Process June 2021. Collection method: clinical testing. Allele origin: germline. Affected: yes.
Comment: In silico analysis supports that this missense variant has a deleterious effect on protein structure/function; Has not been previously published as pathogenic or benign to our knowledge

All of Us Research Program, National Institutes of Health
Classification: Uncertain significance for Malignant hyperthermia, susceptibility to, 5. Last evaluated: 2024-02-05. Review status: criteria provided, single submitter. Criteria: ACMG Guidelines, 2015. Collection method: clinical testing. Allele origin: germline. Inheritance: Autosomal dominant inheritance. Observed: 2 variant alleles, 2 heterozygotes.
Comment: This missense variant replaces arginine with cysteine at codon 119 of the CACNA1S protein. Computational prediction suggests that this variant may have deleterious impact on protein structure and function (internally defined REVEL score threshold >= 0.7, PMID: 27666373). To our knowledge, functional studies have not been reported for this variant. This variant has not been reported in individuals affected with CACNA1S-related disorders in the literature. This variant has been identified in 3/251490 chromosomes in the general population by the Genome Aggregation Database (gnomAD). The available evidence is insufficient to determine the role of this variant in disease conclusively. Therefore, this variant is classified as a Variant of Uncertain Significance.

This study involves interpretation of variants in research participants for the purpose of population health screening. Participant phenotype was not available at the time of variant classification. Additional details can be found in publication PMID: 35346344, PMCID: PMC8962531

Color Diagnostics, LLC DBA Color Health
Classification: Uncertain significance for Malignant hyperthermia, susceptibility to, 5. Last evaluated: 2023-11-08. Review status: criteria provided, single submitter. Criteria: ACMG Guidelines, 2015. Collection method: clinical testing. Allele origin: germline.
Comment: This missense variant replaces arginine with cysteine at codon 119 of the CACNA1S protein. Computational prediction suggests that this variant may have deleterious impact on protein structure and function. To our knowledge, functional studies have not been reported for this variant. This variant has not been reported in individuals affected with CACNA1S-related disorders in the literature. This variant has been identified in 3/251490 chromosomes in the general population by the Genome Aggregation Database (gnomAD). The available evidence is insufficient to determine the role of this variant in disease conclusively. Therefore, this variant is classified as a Variant of Uncertain Significance.

NM_000069.3(CACNA1S):c.355C>T (p.Arg119Cys)

Gene: CACNA1S (calcium voltage-gated channel subunit alpha1 S; minus strand). Cytogenetic location: 1q32.1.
Variant type: single nucleotide variant.
Coding change: c.355C>T on transcript NM_000069.3 (MANE Select); coding-DNA position 355, C replaced by T.
Protein change: p.Arg119Cys; replaces arginine 119 with cysteine.
Molecular consequence: missense variant.
Genome position (GRCh38, 1-based): chr1:201,093,925, G>A on the plus strand (C>T on the coding strand, the complement: CACNA1S is on the minus strand). VCF-style: chr1-201093925-G-A. GRCh37 (hg19) VCF-style: chr1-201063053-G-A.
Other names: c.355C>T (NM_000069.2); short protein forms R119C.
Identifiers: ClinVar variation 2139860 (VCV002139860.7), dbSNP rs1276004803, ClinGen allele CA344144740.